The following is an entry in ClinVar:

NM_001270974.2(HYDIN):c.7560C>T (p.Arg2520=)

Gene: HYDIN (HYDIN axonemal central pair apparatus protein; minus strand). Cytogenetic location: 16q22.2.
Variant type: single nucleotide variant.
Coding change: c.7560C>T on transcript NM_001270974.2 (MANE Select); coding-DNA position 7560, C replaced by T.
Protein change: p.Arg2520=; no amino-acid change (arginine 2520 retained).
Molecular consequence: synonymous variant.
Genome position (GRCh38, 1-based): chr16:70,920,816, G>A on the plus strand (C>T on the coding strand, the complement: HYDIN is on the minus strand). VCF-style: chr16-70920816-G-A. GRCh37 (hg19) VCF-style: chr16-70954719-G-A.
Identifiers: ClinVar variation 2646745 (VCV002646745.24), dbSNP rs2507040468, ClinGen allele CA496405742.

ClinVar aggregate classification (germline): Likely benign (1 of 4 stars; one submission).

Allele frequency attached by ClinVar (database versions not stated): gnomAD exomes below 0.00001.
gnomAD v4.1: 4 of 1,567,490 alleles (0.00026%); highest among the groups gnomAD compares: Non-Finnish European, 0.00035%; no homozygotes.

Submission:

CeGaT Center for Human Genetics Tuebingen
Classification: Likely benign. Last evaluated: 2024-11-01. Review status: criteria provided, single submitter. Criteria: CeGaT Center For Human Genetics Tuebingen Variant Classification Criteria Version 2. Collection method: clinical testing. Allele origin: germline. Affected: yes. Observed: 3 variant alleles.
Comment: HYDIN: BP4, BP7